The following is an entry in ClinVar:

ClinVar aggregate classification (germline): Uncertain significance (1 of 4 stars; one submission).

Submission:

Labcorp Genetics (formerly Invitae), Labcorp
Classification: Uncertain significance. Last evaluated: 2022-07-17. Review status: criteria provided, single submitter. Criteria: Invitae Variant Classification Sherloc (09022015). Collection method: clinical testing. Allele origin: germline.
Comment: This sequence change replaces serine, which is neutral and polar, with arginine, which is basic and polar, at codon 22 of the GRM1 protein (p.Ser22Arg). This variant is not present in population databases (gnomAD no frequency). This variant has not been reported in the literature in individuals affected with GRM1-related conditions. Algorithms developed to predict the effect of missense changes on protein structure and function (SIFT, PolyPhen-2, Align-GVGD) all suggest that this variant is likely to be tolerated. In summary, the available evidence is currently insufficient to determine the role of this variant in disease. Therefore, it has been classified as a Variant of Uncertain Significance.

NM_001278064.2(GRM1):c.66C>A (p.Ser22Arg)

Gene: GRM1 (glutamate metabotropic receptor 1; plus strand). Cytogenetic location: 6q24.3.
Variant type: single nucleotide variant.
Coding change: c.66C>A on transcript NM_001278064.2 (MANE Select); coding-DNA position 66, C replaced by A.
Protein change: p.Ser22Arg; replaces serine 22 with arginine.
Molecular consequence: missense variant.
Genome position (GRCh38, 1-based): chr6:146,029,583, C>A. VCF-style: chr6-146029583-C-A. GRCh37 (hg19) VCF-style: chr6-146350719-C-A.
Other names: c.66C>A, p.Ser22Arg (NM_001278065.2, NM_001278066.1, NM_001278067.1); short protein forms S22R.
Identifiers: ClinVar variation 1717005 (VCV001717005.5), dbSNP rs2482534753, ClinGen allele CA365956951.